The following is an entry in ClinVar:

NM_000138.5(FBN1):c.5066-5T>C

Gene: FBN1 (fibrillin 1; minus strand). Cytogenetic location: 15q21.1.
Variant type: single nucleotide variant.
Coding change: c.5066-5T>C on transcript NM_000138.5 (MANE Select); 5 bases into the intron before coding-DNA position 5066, T replaced by C.
Molecular consequence: intron variant.
Genome position (GRCh38, 1-based): chr15:48,463,245, A>G on the plus strand (T>C on the coding strand, the complement: FBN1 is on the minus strand). VCF-style: chr15-48463245-A-G. GRCh37 (hg19) VCF-style: chr15-48755442-A-G.
Other names: c.5066-5T>C (NM_001406716.1).
Identifiers: ClinVar variation 3257401 (VCV003257401.17).
Genomic context (GRCh38, chr15:48,463,245, plus strand): 5'-ATCACAGGTCTGGTTGTCAGCATAGTAGTTTCTGTAGCACAAACTTCTTCTCATATCTAG[A>G]AGGGAGGTAAAAAAAAGGATTGGAGGGTTGGTGATGCCATGTGGGAAATCACAACAAATT-3'

ClinVar aggregate classification (germline): Uncertain significance (1 of 4 stars; one submission).

gnomAD v4.1: 2 of 1,613,404 alleles (0.00012%); highest among the groups gnomAD compares: Non-Finnish European, 0.00017%; no homozygotes.

Submission:

CeGaT Center for Human Genetics Tuebingen
Classification: Uncertain significance. Last evaluated: 2024-07-01. Review status: criteria provided, single submitter. Criteria: CeGaT Center For Human Genetics Tuebingen Variant Classification Criteria Version 2. Collection method: clinical testing. Allele origin: germline. Affected: yes. Observed: 1 variant allele.
Comment: FBN1: PM2, BP4